The following is an entry in ClinVar:

ClinVar aggregate classification (germline): Pathogenic/Likely pathogenic. Review status: criteria provided, multiple submitters, no conflicts (2 of 4 stars). 5 submissions from 5 submitters: Pathogenic (4); Likely pathogenic (1). Last evaluated 2024-03-27.

Conditions:
Pancreatic cancer, susceptibility to, 3. Identifiers: Orphanet 1333, MedGen C3150547, MONDO:0013236, OMIM 613348.
Hereditary cancer-predisposing syndrome. Also called: Neoplastic Syndromes, Hereditary; Tumor predisposition; Hereditary Cancer Syndrome; Hereditary neoplastic syndrome. Identifiers: Orphanet 140162, MedGen C0027672, MeSH D009386, MONDO:0015356.
Familial cancer of breast. Also called: BREAST CANCER, FAMILIAL; Hereditary breast cancer; hereditary breast carcinoma. Identifiers: Orphanet 227535, MedGen C0346153, MONDO:0016419, OMIM 114480. Disease mechanism: loss of function.

Allele frequency attached by ClinVar (database versions not stated): gnomAD exomes below 0.00001.
gnomAD v4.1: 2 of 1,614,186 alleles (0.00012%); highest among the groups gnomAD compares: Non-Finnish European, 0.00017%; no homozygotes.

Submissions (5):

Molecular Pathology, Peter Maccallum Cancer Centre
Classification: Pathogenic for Familial cancer of breast. Last evaluated: 2024-03-27. Review status: criteria provided, single submitter. Criteria: ACMG Guidelines, 2015. Collection method: clinical testing. Allele origin: germline. Inheritance: Autosomal dominant inheritance.

Ambry Genetics
Classification: Pathogenic for Hereditary cancer-predisposing syndrome. Last evaluated: 2023-12-15. Review status: criteria provided, single submitter. Criteria: Ambry Variant Classification Scheme 2023. Collection method: clinical testing. Allele origin: germline.
Comment: The p.E749* pathogenic mutation (also known as c.2245G>T), located in coding exon 5 of the PALB2 gene, results from a G to T substitution at nucleotide position 2245. This changes the amino acid from a glutamic acid to a stop codon within coding exon 5. This variant is considered to be rare based on population cohorts in the Genome Aggregation Database (gnomAD). This alteration is expected to result in loss of function by premature protein truncation or nonsense-mediated mRNA decay. As such, this alteration is interpreted as a disease-causing mutation.

Myriad Genetics, Inc.
Classification: Pathogenic for Familial cancer of breast. Last evaluated: 2023-09-12. Review status: criteria provided, single submitter. Criteria: Myriad Autosomal Dominant, Autosomal Recessive and X-Linked Classification Criteria (2023). Collection method: clinical testing. Allele origin: unknown.
Comment: This variant is considered pathogenic. This variant creates a termination codon and is predicted to result in premature protein truncation.

Labcorp Genetics (formerly Invitae), Labcorp
Classification: Pathogenic for Familial cancer of breast. Last evaluated: 2023-05-12. Review status: criteria provided, single submitter. Criteria: Invitae Variant Classification Sherloc (09022015). Collection method: clinical testing. Allele origin: germline.
Comment: For these reasons, this variant has been classified as Pathogenic. ClinVar contains an entry for this variant (Variation ID: 482051). This variant has not been reported in the literature in individuals affected with PALB2-related conditions. This variant is not present in population databases (gnomAD no frequency). This sequence change creates a premature translational stop signal (p.Glu749*) in the PALB2 gene. It is expected to result in an absent or disrupted protein product. Loss-of-function variants in PALB2 are known to be pathogenic (PMID: 17200668, 17200671, 17200672, 24136930, 25099575).

Neuberg Centre For Genomic Medicine, NCGM
Classification: Likely pathogenic for Pancreatic cancer, susceptibility to, 3. Review status: criteria provided, single submitter. Criteria: ACMG Guidelines, 2015. Collection method: clinical testing. Allele origin: germline. Inheritance: Autosomal dominant inheritance. Affected: yes.
Comment: The stop gained variant c.2245G>T (p.Glu749Ter) in PALB2 gene has not been reported previously as a pathogenic variant nor as a benign variant, to our knowledge. This variant has been reported to the ClinVar database as Pathogenic. Null variant (nonsense), in gene PALB2 for which loss-of-function is a known mechanism of disease. The variant is novel (not in any individuals) in gnomAD Exomes and 1000 Genomes. The nucleotide change in PALB2 is predicted as conserved by GERP++ and PhyloP across 100 vertebrates. For these reasons, this variant has been classified as Likely Pathogenic.

Literature cited by the submitters: PubMed 17200668 (cited by Labcorp Genetics (formerly Invitae), Labcorp); PubMed 17200671 (cited by Labcorp Genetics (formerly Invitae), Labcorp); PubMed 17200672 (cited by Labcorp Genetics (formerly Invitae), Labcorp); PubMed 24136930 (cited by Labcorp Genetics (formerly Invitae), Labcorp); PubMed 25099575 (cited by Labcorp Genetics (formerly Invitae), Labcorp).

NM_024675.4(PALB2):c.2245G>T (p.Glu749Ter)

Gene: PALB2 (partner and localizer of BRCA2; minus strand). Cytogenetic location: 16p12.2.
Variant type: single nucleotide variant.
Coding change: c.2245G>T on transcript NM_024675.4 (MANE Select); coding-DNA position 2245, G replaced by T.
Protein change: p.Glu749Ter; replaces glutamic acid 749 with a stop codon.
Molecular consequence: nonsense.
Genome position (GRCh38, 1-based): chr16:23,629,909, C>A on the plus strand (G>T on the coding strand, the complement: PALB2 is on the minus strand). VCF-style: chr16-23629909-C-A. GRCh37 (hg19) VCF-style: chr16-23641230-C-A.
Other names: short protein forms E749*.
Identifiers: ClinVar variation 482051 (VCV000482051.15), dbSNP rs1555460431, ClinGen allele CA395125490.